The following is an entry in ClinVar:

NM_006361.6(HOXB13):c.38A>G (p.Lys13Arg)

Gene: HOXB13 (homeobox B13; minus strand). Cytogenetic location: 17q21.32.
Variant type: single nucleotide variant.
Coding change: c.38A>G on transcript NM_006361.6 (MANE Select); coding-DNA position 38, A replaced by G.
Protein change: p.Lys13Arg; replaces lysine 13 with arginine.
Molecular consequence: missense variant.
Genome position (GRCh38, 1-based): chr17:48,728,556, T>C on the plus strand (A>G on the coding strand, the complement: HOXB13 is on the minus strand). VCF-style: chr17-48728556-T-C. GRCh37 (hg19) VCF-style: chr17-46805918-T-C.
Other names: short protein forms K13R.
Identifiers: ClinVar variation 1735990 (VCV001735990.2), dbSNP rs1597935299, ClinGen allele CA400109825.
Genomic context (GRCh38, chr17:48,728,556, plus strand): 5'-AGAGGGGAGTGGGCGACCAGATTCCGCCCCCCTCCCGCTCCCAGCAAGCCTTCGATATCC[T>C]TGGCTCCATCCAAGGTGGCATAATTGCCGGGCTCCATGGAGCCGAGGGTCGGCTCATGAG-3'
Protein context (NP_006352.2, residues 3-23): PGNYATLDGA[Lys13Arg]DIEGLLGAGG

ClinVar aggregate classification (germline): Uncertain significance (1 of 4 stars; one submission).

Conditions:
Hereditary cancer-predisposing syndrome. Also called: Neoplastic Syndromes, Hereditary; Tumor predisposition; Hereditary Cancer Syndrome; Hereditary neoplastic syndrome. Identifiers: Orphanet 140162, MedGen C0027672, MeSH D009386, MONDO:0015356.

Allele frequency attached by ClinVar (database versions not stated): gnomAD exomes below 0.00001.
gnomAD v4.1: 1 of 1,612,930 alleles (0.000062%); highest among the groups gnomAD compares: Non-Finnish European, 0.000085%; no homozygotes.

Submission:

Ambry Genetics
Classification: Uncertain significance for Hereditary cancer-predisposing syndrome. Last evaluated: 2022-07-13. Review status: criteria provided, single submitter. Criteria: Ambry Variant Classification Scheme 2023. Collection method: clinical testing. Allele origin: germline.
Comment: The p.K13R variant (also known as c.38A>G), located in coding exon 1 of the HOXB13 gene, results from an A to G substitution at nucleotide position 38. The lysine at codon 13 is replaced by arginine, an amino acid with highly similar properties. This amino acid position is conserved. In addition, the in silico prediction for this alteration is inconclusive. Since supporting evidence is limited at this time, the clinical significance of this alteration remains unclear.